The following is an entry in ClinVar:

NM_003060.4(SLC22A5):c.75C>T (p.Leu25=)

Gene: SLC22A5 (solute carrier family 22 member 5; plus strand). Cytogenetic location: 5q31.1.
Variant type: single nucleotide variant.
Coding change: c.75C>T on transcript NM_003060.4 (MANE Select); coding-DNA position 75, C replaced by T.
Protein change: p.Leu25=; no amino-acid change (leucine 25 retained).
Molecular consequence: synonymous variant.
Genome position (GRCh38, 1-based): chr5:132,370,047, C>T. VCF-style: chr5-132370047-C-T. GRCh37 (hg19) VCF-style: chr5-131705739-C-T.
Other names: p.Leu25=; c.75C>T, p.Leu25= (NM_001308122.2).
Identifiers: ClinVar variation 460414 (VCV000460414.18), dbSNP rs144054688, ClinGen allele CA3403777.

ClinVar aggregate classification (germline): Conflicting classifications of pathogenicity. Review status: criteria provided, conflicting classifications (1 of 4 stars). 5 submissions from 5 submitters: Uncertain significance (1); Likely benign (3). 1 of the submissions does not count toward it. Last evaluated 2026-01-26.

Conditions:
SLC22A5-related disorder. Also called: SLC22A5-related condition.
Renal carnitine transport defect (CDSP). Also called: Primary carnitine deficiency; Systemic primary carnitine deficiency; Carnitine Deficiency, Systemic; Systemic primary carnitine deficiency disease; CARNITINE DEFICIENCY, SYSTEMIC, DUE TO DEFECT IN RENAL REABSORPTION OF CARNITINE; CARNITINE TRANSPORTER, PLASMA-MEMBRANE, DEFICIENCY OF. Identifiers: Orphanet 158, MedGen C0342788, MONDO:0008919, OMIM 212140.

Allele frequency attached by ClinVar (database versions not stated): gnomAD exomes 0.00015; 1000 Genomes Project 30x 0.00016; ExAC 0.00017; 1000 Genomes Project 0.00020; gnomAD 0.00048 and 0.00054; TOPMed 0.00063; ESP Exome Variant Server 0.00085.
gnomAD v4.1: 147 of 1,613,392 alleles (0.0091%); highest among the groups gnomAD compares: African/African-American, 0.17%; no homozygotes.

Submissions (5):

Labcorp Genetics (formerly Invitae), Labcorp
Classification: Likely benign for Renal carnitine transport defect. Last evaluated: 2026-01-26. Review status: criteria provided, single submitter. Criteria: Invitae Variant Classification Sherloc (09022015). Collection method: clinical testing. Allele origin: germline.

GeneDx
Classification: Uncertain significance. Last evaluated: 2026-01-07. Review status: criteria provided, single submitter. Criteria: GeneDx Variant Classification Process June 2021. Collection method: clinical testing. Allele origin: germline.
Comment: In silico analysis suggests that this variant does not alter splicing; Has not been previously published as pathogenic or benign to our knowledge

Mayo Clinic Laboratories, Mayo Clinic
Classification: Likely benign. Last evaluated: 2025-06-13. Review status: criteria provided, single submitter. Criteria: ACMG Guidelines, 2015. Collection method: clinical testing. Allele origin: germline. Observed: 1 variant allele.
Comment: BP4, BP7

Blueprint Genetics
Classification: Likely benign. Last evaluated: 2024-08-28. Review status: criteria provided, single submitter. Criteria: ACMG Guidelines, 2015. Collection method: clinical testing. Allele origin: germline.

PreventionGenetics, part of Exact Sciences
Classification: Likely benign for SLC22A5-related condition. Last evaluated: 2019-05-21. Review status: no assertion criteria provided. Collection method: clinical testing. Allele origin: germline. Not counted in ClinVar's aggregate classification.
Comment: This variant is classified as likely benign based on ACMG/AMP sequence variant interpretation guidelines (Richards et al. 2015 PMID: 25741868, with internal and published modifications).